The following is an entry in ClinVar:

NM_001142864.4(PIEZO1):c.5310G>A (p.Pro1770=)

Gene: PIEZO1 (piezo type mechanosensitive ion channel component 1 (Er blood group); minus strand). Cytogenetic location: 16q24.3.
Variant type: single nucleotide variant.
Coding change: c.5310G>A on transcript NM_001142864.4 (MANE Select); coding-DNA position 5310, G replaced by A.
Protein change: p.Pro1770=; no amino-acid change (proline 1770 retained).
Molecular consequence: synonymous variant.
Genome position (GRCh38, 1-based): chr16:88,721,631, C>T on the plus strand (G>A on the coding strand, the complement: PIEZO1 is on the minus strand). VCF-style: chr16-88721631-C-T. GRCh37 (hg19) VCF-style: chr16-88788039-C-T.
Identifiers: ClinVar variation 745785 (VCV000745785.7), dbSNP rs148768393, ClinGen allele CA8231910.

ClinVar aggregate classification (germline): Likely benign. Review status: criteria provided, multiple submitters, no conflicts (2 of 4 stars). 4 submissions from 4 submitters: Likely benign (4). Last evaluated 2026-09-01.

Allele frequency attached by ClinVar (database versions not stated): ExAC 0.00031; 1000 Genomes Project 0.00060; 1000 Genomes Project 30x 0.00062; TOPMed 0.00064.
gnomAD v4.1: 218 of 1,550,218 alleles (0.014%); highest among the groups gnomAD compares: African/African-American, 0.21%; no homozygotes.

Submissions (4):

CeGaT Center for Human Genetics Tuebingen
Classification: Likely benign. Last evaluated: 2026-09-01. Review status: criteria provided, single submitter. Criteria: CeGaT Center For Human Genetics Tuebingen Variant Classification Criteria Version 2. Collection method: clinical testing. Allele origin: germline. Affected: yes. Observed: 1 variant allele.
Comment: PIEZO1: BP4, BP7

Labcorp Genetics (formerly Invitae), Labcorp
Classification: Likely benign. Last evaluated: 2025-11-11. Review status: criteria provided, single submitter. Criteria: Invitae Variant Classification Sherloc (09022015). Collection method: clinical testing. Allele origin: germline.

Blueprint Genetics
Classification: Likely benign. Last evaluated: 2024-05-09. Review status: criteria provided, single submitter. Criteria: ACMG Guidelines, 2015. Collection method: clinical testing. Allele origin: germline.

Breakthrough Genomics
Classification: Likely benign. Review status: criteria provided, single submitter. Criteria: ACMG Guidelines, 2015. Collection method: not provided. Allele origin: germline. Inheritance: Autosomal recessive inheritance. Affected: yes.